The following is an entry in ClinVar:

ClinVar aggregate classification (germline): Uncertain significance (1 of 4 stars; one submission).

Conditions:
Sterile multifocal osteomyelitis with periostitis and pustulosis. Also called: CHRONIC RECURRENT MULTIFOCAL OSTEOMYELITIS 2, WITH PERIOSTITIS AND PUSTULOSIS. Identifiers: Orphanet 210115, MedGen C2748507, MONDO:0013021, OMIM 612852.

Allele frequency attached by ClinVar (database versions not stated): gnomAD exomes below 0.00001.
gnomAD v4.1: 1 of 1,614,128 alleles (0.000062%); highest among the groups gnomAD compares: Admixed American, 0.0017%; no homozygotes.

Submission:

Labcorp Genetics (formerly Invitae), Labcorp
Classification: Uncertain significance for Sterile multifocal osteomyelitis with periostitis and pustulosis. Last evaluated: 2021-09-29. Review status: criteria provided, single submitter. Criteria: Invitae Variant Classification Sherloc (09022015). Collection method: clinical testing. Allele origin: germline.
Comment: In summary, the available evidence is currently insufficient to determine the role of this variant in disease. Therefore, it has been classified as a Variant of Uncertain Significance. Algorithms developed to predict the effect of sequence changes on RNA splicing suggest that this variant may create or strengthen a splice site. Algorithms developed to predict the effect of missense changes on protein structure and function (SIFT, PolyPhen-2, Align-GVGD) all suggest that this variant is likely to be disruptive. This variant has not been reported in the literature in individuals affected with IL1RN-related conditions. This variant is not present in population databases (ExAC no frequency). This sequence change replaces aspartic acid with tyrosine at codon 179 of the IL1RN protein (p.Asp179Tyr). The aspartic acid residue is highly conserved and there is a large physicochemical difference between aspartic acid and tyrosine.

NM_173842.3(IL1RN):c.526G>T (p.Asp176Tyr)

Gene: IL1RN (interleukin 1 receptor antagonist; plus strand). Cytogenetic location: 2q14.1.
Variant type: single nucleotide variant.
Coding change: c.526G>T on transcript NM_173842.3 (MANE Select); coding-DNA position 526, G replaced by T.
Protein change: p.Asp176Tyr; replaces aspartic acid 176 with tyrosine.
Molecular consequence: missense variant.
Genome position (GRCh38, 1-based): chr2:113,132,863, G>T. VCF-style: chr2-113132863-G-T. GRCh37 (hg19) VCF-style: chr2-113890440-G-T.
Other names: c.472G>T, p.Asp158Tyr (NM_000577.5); c.424G>T, p.Asp142Tyr (NM_001318914.2, NM_001379360.1, NM_173843.3); c.535G>T, p.Asp179Tyr (NM_173841.3); short protein forms D158Y, D176Y, D142Y, D179Y.
Identifiers: ClinVar variation 1450192 (VCV001450192.6), dbSNP rs1191497599, ClinGen allele CA348296385.